The following is an entry in ClinVar:

NM_023110.3(FGFR1):c.1552+5G>A

Gene: FGFR1 (fibroblast growth factor receptor 1; minus strand). Cytogenetic location: 8p11.23.
Variant type: single nucleotide variant.
Coding change: c.1552+5G>A on transcript NM_023110.3 (MANE Select); 5 bases into the intron after coding-DNA position 1552, G replaced by A.
Molecular consequence: intron variant.
Genome position (GRCh38, 1-based): chr8:38,417,865, C>T on the plus strand (G>A on the coding strand, the complement: FGFR1 is on the minus strand). VCF-style: chr8-38417865-C-T. GRCh37 (hg19) VCF-style: chr8-38275383-C-T.
Other names: c.1273+5G>A (NM_001354368.2); c.1279+5G>A (NM_001354370.2, NM_023106.3); c.1285+5G>A (NM_023105.3, NM_001174066.2); c.1546+5G>A (NM_001354367.2, NM_015850.4, NM_001174063.2 and 1 more transcripts); c.1522+5G>A (NM_001174064.2); c.1540+5G>A (NM_001354369.2, NM_001410922.1); c.1645+5G>A (NM_001174067.2).
Identifiers: ClinVar variation 2942043 (VCV002942043.3), dbSNP rs2536910641, ClinGen allele CA2740094996.

ClinVar aggregate classification (germline): Uncertain significance (1 of 4 stars; one submission).

Conditions:
Hypogonadotropic hypogonadism 2 with or without anosmia (HH2). Also called: HYPOGONADOTROPIC HYPOGONADISM 2 WITHOUT ANOSMIA; FGFR1-Related GnRH Deficiency (Kallmann Syndrome 2); HYPOGONADOTROPIC HYPOGONADISM 2 WITH OR WITHOUT ANOSMIA, SUSCEPTIBILITY TO; HYPOGONADOTROPIC HYPOGONADISM 2 WITHOUT ANOSMIA, SUSCEPTIBILITY TO. Identifiers: Orphanet 478, MedGen C1563720, MONDO:0007844, OMIM 147950. Disease mechanism: loss of function.
Pfeiffer syndrome (ACS5). Also called: ACS V. Identifiers: Orphanet 710, MedGen C0220658, MONDO:0007043, OMIM 101600.

Submission:

Labcorp Genetics (formerly Invitae), Labcorp
Classification: Uncertain significance for Pfeiffer syndrome; Hypogonadotropic hypogonadism 2 with or without anosmia. Last evaluated: 2022-12-03. Review status: criteria provided, single submitter. Criteria: Invitae Variant Classification Sherloc (09022015). Collection method: clinical testing. Allele origin: germline.
Comment: Variants that disrupt the consensus splice site are a relatively common cause of aberrant splicing (PMID: 17576681, 9536098). Algorithms developed to predict the effect of sequence changes on RNA splicing suggest that this variant may disrupt the consensus splice site. This variant has not been reported in the literature in individuals affected with FGFR1-related conditions. This variant is not present in population databases (gnomAD no frequency). This sequence change falls in intron 11 of the FGFR1 gene. It does not directly change the encoded amino acid sequence of the FGFR1 protein. It affects a nucleotide within the consensus splice site. In summary, the available evidence is currently insufficient to determine the role of this variant in disease. Therefore, it has been classified as a Variant of Uncertain Significance.

Literature cited by the submitters: PubMed 17576681; PubMed 9536098.